The following is an entry in ClinVar:

ClinVar aggregate classification (germline): Uncertain significance. Review status: criteria provided, multiple submitters, no conflicts (2 of 4 stars). 3 submissions from 3 submitters: Uncertain significance (3). Last evaluated 2024-10-17.

Conditions:
Inborn genetic diseases. Identifiers: MedGen C0950123, MeSH D030342.
Majeed syndrome (MJDS). Also called: CHRONIC RECURRENT MULTIFOCAL OSTEOMYELITIS 1, WITH CONGENITAL DYSERYTHROPOIETIC ANEMIA, WITH OR WITHOUT NEUTROPHILIC DERMATOSIS; LPIN2-Related Majeed Syndrome. Identifiers: Orphanet 77297, MedGen C1864997, MONDO:0012316, OMIM 609628.

Allele frequency attached by ClinVar (database versions not stated): ExAC 0.00002; gnomAD 0.00003; gnomAD exomes 0.00003; TOPMed 0.00004; ESP Exome Variant Server 0.00015; 1000 Genomes Project 30x 0.00016; 1000 Genomes Project 0.00020.
gnomAD v4.1: 16 of 1,614,184 alleles (0.00099%); highest among the groups gnomAD compares: African/African-American, 0.0093%; no homozygotes.

Submissions (3):

Labcorp Genetics (formerly Invitae), Labcorp
Classification: Uncertain significance for Majeed syndrome. Last evaluated: 2024-10-17. Review status: criteria provided, single submitter. Criteria: Invitae Variant Classification Sherloc (09022015). Collection method: clinical testing. Allele origin: germline.
Comment: This sequence change replaces aspartic acid, which is acidic and polar, with glutamic acid, which is acidic and polar, at codon 885 of the LPIN2 protein (p.Asp885Glu). This variant is present in population databases (rs140002239, gnomAD 0.02%). This variant has not been reported in the literature in individuals affected with LPIN2-related conditions. ClinVar contains an entry for this variant (Variation ID: 948789). Invitae Evidence Modeling of protein sequence and biophysical properties (such as structural, functional, and spatial information, amino acid conservation, physicochemical variation, residue mobility, and thermodynamic stability) indicates that this missense variant is not expected to disrupt LPIN2 protein function with a negative predictive value of 80%. In summary, the available evidence is currently insufficient to determine the role of this variant in disease. Therefore, it has been classified as a Variant of Uncertain Significance.

Revvity Omics, Revvity
Classification: Uncertain significance for Majeed syndrome. Last evaluated: 2024-09-21. Review status: criteria provided, single submitter. Criteria: ACMG Guidelines, 2015. Collection method: clinical testing. Allele origin: germline.

Ambry Genetics
Classification: Uncertain significance for Inborn genetic diseases. Last evaluated: 2023-11-18. Review status: criteria provided, single submitter. Criteria: Ambry Variant Classification Scheme 2023. Collection method: clinical testing. Allele origin: germline.

NM_001375808.2(LPIN2):c.2655C>A (p.Asp885Glu)

Gene: LPIN2 (lipin 2; minus strand). Cytogenetic location: 18p11.31.
Variant type: single nucleotide variant.
Coding change: c.2655C>A on transcript NM_001375808.2 (MANE Select); coding-DNA position 2655, C replaced by A.
Protein change: p.Asp885Glu; replaces aspartic acid 885 with glutamic acid.
Molecular consequence: missense variant.
Genome position (GRCh38, 1-based): chr18:2,920,329, G>T on the plus strand (C>A on the coding strand, the complement: LPIN2 is on the minus strand). VCF-style: chr18-2920329-G-T. GRCh37 (hg19) VCF-style: chr18-2920327-G-T.
Other names: c.2655C>A, p.Asp885Glu (NM_001375809.1, NM_014646.2); short protein forms D885E.
Identifiers: ClinVar variation 948789 (VCV000948789.11), dbSNP rs140002239, ClinGen allele CA8872643.